The following is an entry in ClinVar:

ClinVar aggregate classification (germline): Benign/Likely benign. Review status: criteria provided, multiple submitters, no conflicts (2 of 4 stars). 22 submissions from 15 submitters: Benign (13); Likely benign (5). 4 of the submissions do not count toward it. Last evaluated 2026-09-01.

Conditions:
Dilated cardiomyopathy 1G (CMD1G). Identifiers: Orphanet 154, MedGen C1858763, MONDO:0011400, OMIM 604145.
Autosomal recessive limb-girdle muscular dystrophy type 2J (LGMDR10). Also called: MUSCULAR DYSTROPHY, LIMB-GIRDLE, AUTOSOMAL RECESSIVE 10; Limb-girdle muscular dystrophy, type 2J. Identifiers: Orphanet 140922, MedGen C1837342, MONDO:0012127, OMIM 608807.
Cardiovascular phenotype. Identifiers: MedGen CN230736.
Cardiomyopathy (CMYO). Also called: Cardiomyopathies. Identifiers: Orphanet 167848, MedGen C0878544, MONDO:0004994, HP:0001638. Inheritance: Various modes of inheritance.
Early-onset myopathy with fatal cardiomyopathy (CMYO5). Also called: CONGENITAL MYOPATHY 5 WITH CARDIOMYOPATHY; Salih Myopathy. Identifiers: Orphanet 289377, MedGen C2673677, MONDO:0012714, OMIM 611705. Disease mechanism: loss of function.
Tibial muscular dystrophy (TMD). Also called: Udd Distal Myopathy – Tibial Muscular Dystrophy; UDD MYOPATHY; Tibial muscular dystrophy, tardive. Identifiers: Orphanet 609, MedGen C1838244, MONDO:0010870, OMIM 600334.
Myopathy, myofibrillar, 9, with early respiratory failure (MFM9). Also called: EDSTROM MYOPATHY; Hereditary myopathy with early respiratory failure; MYOPATHY, PROXIMAL, WITH EARLY RESPIRATORY MUSCLE INVOLVEMENT; Myopathy, distal, with early respiratory failure, autosomal dominant. Identifiers: Orphanet 178464, Orphanet 34521, MedGen C1863599, MONDO:0011362, OMIM 603689.

Allele frequency attached by ClinVar (database versions not stated): gnomAD 0.00005 and 0.00032; TOPMed 0.00010; gnomAD exomes 0.00070 and 0.00152; ExAC 0.00168; 1000 Genomes Project 30x 0.00172; 1000 Genomes Project 0.00200.
gnomAD v4.1: 1,074 of 1,613,290 alleles (0.067%); highest among the groups gnomAD compares: South Asian, 1.1%; 19 homozygotes.

Submissions (22):

CeGaT Center for Human Genetics Tuebingen
Classification: Benign. Last evaluated: 2026-09-01. Review status: criteria provided, single submitter. Criteria: CeGaT Center For Human Genetics Tuebingen Variant Classification Criteria Version 2. Collection method: clinical testing. Allele origin: germline. Affected: yes. Observed: 1 variant allele.
Comment: TTN: BP4, BS1, BS2

Labcorp Genetics (formerly Invitae), Labcorp
Classification: Benign for Dilated cardiomyopathy 1G; Autosomal recessive limb-girdle muscular dystrophy type 2J. Last evaluated: 2026-02-04. Review status: criteria provided, single submitter. Criteria: Invitae Variant Classification Sherloc (09022015). Collection method: clinical testing. Allele origin: germline.

Mayo Clinic Laboratories, Mayo Clinic
Classification: Likely benign. Last evaluated: 2025-06-17. Review status: criteria provided, single submitter. Criteria: ACMG Guidelines, 2015. Collection method: clinical testing. Allele origin: germline. Observed: 3 variant alleles.

Women's Health and Genetics/Laboratory Corporation of America, LabCorp
Classification: Likely benign. Last evaluated: 2023-08-19. Review status: criteria provided, single submitter. Criteria: LabCorp Variant Classification Summary - May 2015. Collection method: clinical testing. Allele origin: germline.

Genome-Nilou Lab
Classification: Benign for Autosomal recessive limb-girdle muscular dystrophy type 2J. Last evaluated: 2021-09-10. Review status: criteria provided, single submitter. Criteria: ACMG Guidelines, 2015. Collection method: clinical testing. Allele origin: germline. Affected: no.

Genome-Nilou Lab
Classification: Benign for Myopathy, myofibrillar, 9, with early respiratory failure. Last evaluated: 2021-09-10. Review status: criteria provided, single submitter. Criteria: ACMG Guidelines, 2015. Collection method: clinical testing. Allele origin: germline. Affected: no.

Genome-Nilou Lab
Classification: Benign for Early-onset myopathy with fatal cardiomyopathy. Last evaluated: 2021-09-10. Review status: criteria provided, single submitter. Criteria: ACMG Guidelines, 2015. Collection method: clinical testing. Allele origin: germline. Affected: no.

Genome-Nilou Lab
Classification: Benign for Tibial muscular dystrophy. Last evaluated: 2021-09-10. Review status: criteria provided, single submitter. Criteria: ACMG Guidelines, 2015. Collection method: clinical testing. Allele origin: germline. Affected: no.

Laboratory for Molecular Medicine, Mass General Brigham Personalized Medicine
Classification: Benign. Last evaluated: 2019-07-26. Review status: criteria provided, single submitter. Criteria: ACMG Guidelines, 2015. Collection method: clinical testing. Allele origin: germline.
Comment: The p.Thr21470Met variant in TTN is classified as benign because it has been identified in 1.2% (370/30588) of South Asian chromosomes by gnomAD. ACMG/AMP Criteria applied: BA1.

Ambry Genetics
Classification: Benign for Cardiovascular phenotype. Last evaluated: 2019-06-24. Review status: criteria provided, single submitter. Criteria: Ambry Variant Classification Scheme 2023. Collection method: clinical testing. Allele origin: germline.

CHEO Genetics Diagnostic Laboratory, Children's Hospital of Eastern Ontario
Classification: Benign for Cardiomyopathy. Last evaluated: 2018-03-23. Review status: criteria provided, single submitter. Criteria: ACMG Guidelines, 2015. Collection method: clinical testing. Allele origin: germline.

Illumina Laboratory Services, Illumina
Classification: Likely benign for Dilated cardiomyopathy 1G. Last evaluated: 2018-01-13. Review status: criteria provided, single submitter. Criteria: ICSL Variant Classification Criteria 13 December 2019. Collection method: clinical testing. Allele origin: germline.
Comment: This variant was observed in the ICSL laboratory as part of a predisposition screen in an ostensibly healthy population. It had not been previously curated by ICSL or reported in the Human Gene Mutation Database (HGMD: prior to June 1st, 2018), and was therefore a candidate for classification through an automated scoring system. Utilizing variant allele frequency, disease prevalence and penetrance estimates, and inheritance mode, an automated score was calculated to assess if this variant is too frequent to cause the disease. Based on the score and internal cut-off values, a variant classified as likely benign is not then subjected to further curation. The score for this variant resulted in a classification of likely benign for this disease.

Illumina Laboratory Services, Illumina
Classification: Benign for Myopathy, myofibrillar, 9, with early respiratory failure. Last evaluated: 2018-01-13. Review status: criteria provided, single submitter. Criteria: ICSL Variant Classification Criteria 13 December 2019. Collection method: clinical testing. Allele origin: germline.
Comment: This variant was observed in the ICSL laboratory as part of a predisposition screen in an ostensibly healthy population. It had not been previously curated by ICSL or reported in the Human Gene Mutation Database (HGMD: prior to June 1st, 2018), and was therefore a candidate for classification through an automated scoring system. Utilizing variant allele frequency, disease prevalence and penetrance estimates, and inheritance mode, an automated score was calculated to assess if this variant is too frequent to cause the disease. Based on the score and internal cut-off values, a variant classified as benign is not then subjected to further curation. The score for this variant resulted in a classification of benign for this disease.

Illumina Laboratory Services, Illumina
Classification: Benign for Tibial muscular dystrophy. Last evaluated: 2018-01-13. Review status: criteria provided, single submitter. Criteria: ICSL Variant Classification Criteria 13 December 2019. Collection method: clinical testing. Allele origin: germline.
Comment: the same text as in the submission from Illumina Laboratory Services, Illumina above.

Illumina Laboratory Services, Illumina
Classification: Likely benign for Autosomal recessive limb-girdle muscular dystrophy type 2J. Last evaluated: 2018-01-13. Review status: criteria provided, single submitter. Criteria: ICSL Variant Classification Criteria 13 December 2019. Collection method: clinical testing. Allele origin: germline.
Comment: the same text as in the submission from Illumina Laboratory Services, Illumina above.

Illumina Laboratory Services, Illumina
Classification: Likely benign for Early-onset myopathy with fatal cardiomyopathy. Last evaluated: 2018-01-13. Review status: criteria provided, single submitter. Criteria: ICSL Variant Classification Criteria 13 December 2019. Collection method: clinical testing. Allele origin: germline.
Comment: the same text as in the submission from Illumina Laboratory Services, Illumina above.

Eurofins Ntd Llc (ga)
Classification: Benign. Last evaluated: 2015-08-18. Review status: criteria provided, single submitter. Criteria: EGL Classification Definitions 2015. Collection method: clinical testing. Allele origin: germline. Observed: 1 variant allele, 1 heterozygote.

GeneDx
Classification: Benign. Last evaluated: 2015-07-31. Review status: criteria provided, single submitter. Criteria: GeneDx Variant Classification (06012015). Collection method: clinical testing. Allele origin: germline. Affected: yes.
Comment: This variant is considered likely benign or benign based on one or more of the following criteria: it is a conservative change, it occurs at a poorly conserved position in the protein, it is predicted to be benign by multiple in silico algorithms, and/or has population frequency not consistent with disease.

Clinical Genetics DNA and cytogenetics Diagnostics Lab, Erasmus MC, Erasmus Medical Center
Classification: Benign. Review status: no assertion criteria provided. Collection method: clinical testing. Allele origin: germline. Affected: yes. Study: VKGL Data-share Consensus. Not counted in ClinVar's aggregate classification.

Clinical Genetics, Academic Medical Center
Classification: Benign. Review status: no assertion criteria provided. Collection method: clinical testing. Allele origin: germline. Affected: yes. Study: VKGL Data-share Consensus. Not counted in ClinVar's aggregate classification.

Genome Diagnostics Laboratory, University Medical Center Utrecht
Classification: Likely benign. Review status: no assertion criteria provided. Collection method: clinical testing. Allele origin: germline. Affected: yes. Study: VKGL Data-share Consensus. Not counted in ClinVar's aggregate classification.

Laboratory of Diagnostic Genome Analysis, Leiden University Medical Center (LUMC)
Classification: Likely benign. Review status: no assertion criteria provided. Collection method: clinical testing. Allele origin: germline. Affected: yes. Study: VKGL Data-share Consensus. Not counted in ClinVar's aggregate classification.

NM_001267550.2(TTN):c.72113C>T (p.Thr24038Met)

Genes: TTN (titin; minus strand), TTN-AS1 (TTN antisense RNA 1; plus strand). Cytogenetic location: 2q31.2.
Variant type: single nucleotide variant.
Coding change: c.72113C>T on transcript NM_001267550.2 (MANE Select); coding-DNA position 72113, C replaced by T.
Protein change: p.Thr24038Met; replaces threonine 24038 with methionine.
Molecular consequence: missense variant.
Genome position (GRCh38, 1-based): chr2:178,574,019, G>A on the plus strand (C>T on the coding strand, the complement: TTN is on the minus strand). VCF-style: chr2-178574019-G-A. GRCh37 (hg19) VCF-style: chr2-179438746-G-A.
Other names: p.Thr22397Met; c.67190C>T, p.Thr22397Met (NM_001256850.1); c.44918C>T, p.Thr14973Met (NM_003319.4); c.64409C>T, p.Thr21470Met (NM_133378.4); c.45293C>T, p.Thr15098Met (NM_133432.3); c.45494C>T, p.Thr15165Met (NM_133437.4); short protein forms T21470M, T24038M, T22397M, T15165M, T14973M, T15098M.
Identifiers: ClinVar variation 282655 (VCV000282655.31), dbSNP rs370375696, ClinGen allele CA1990543.